The following is an entry in ClinVar:

ClinVar aggregate classification (germline): Uncertain significance (1 of 4 stars; one submission).

Conditions:
X-linked distal spinal muscular atrophy type 3. Also called: SPINAL MUSCULAR ATROPHY, DISTAL, X-LINKED RECESSIVE; ATP7A-Related Distal Motor Neuropathy; NEURONOPATHY, DISTAL HEREDITARY MOTOR, X-LINKED; NEUROPATHY, DISTAL HEREDITARY MOTOR, X-LINKED. Identifiers: Orphanet 139557, MedGen C1845359, MONDO:0010338, OMIM 300489.
Menkes kinky-hair syndrome (MNK). Also called: Copper transport disease; Classic Menkes Disease; Menkes Disease. Identifiers: Orphanet 565, MedGen C0022716, MONDO:0010651, OMIM 309400.
Cutis laxa, X-linked (OHS). Also called: EDS IX; Occipital horn syndrome. Identifiers: Orphanet 198, MedGen C0268353, MONDO:0010572, OMIM 304150.

Allele frequency attached by ClinVar (database versions not stated): gnomAD exomes below 0.00001.
gnomAD v4.1: 2 of 1,211,320 alleles (0.00017%); highest among the groups gnomAD compares: Non-Finnish European, 0.00022%; no homozygotes.

Submission:

Labcorp Genetics (formerly Invitae), Labcorp
Classification: Uncertain significance for X-linked distal spinal muscular atrophy type 3; Cutis laxa, X-linked; Menkes kinky-hair syndrome. Last evaluated: 2025-12-24. Review status: criteria provided, single submitter. Criteria: Invitae Variant Classification Sherloc (09022015). Collection method: clinical testing. Allele origin: germline.
Comment: This sequence change replaces serine, which is neutral and polar, with phenylalanine, which is neutral and non-polar, at codon 698 of the ATP7A protein (p.Ser698Phe). This variant is not present in population databases (gnomAD no frequency). This variant has not been reported in the literature in individuals affected with ATP7A-related conditions. ClinVar contains an entry for this variant (Variation ID: 943884). Invitae Evidence Modeling of protein sequence and biophysical properties (such as structural, functional, and spatial information, amino acid conservation, physicochemical variation, residue mobility, and thermodynamic stability) indicates that this missense variant is not expected to disrupt ATP7A protein function with a negative predictive value of 95%. In summary, the available evidence is currently insufficient to determine the role of this variant in disease. Therefore, it has been classified as a Variant of Uncertain Significance.

NM_000052.7(ATP7A):c.2093C>T (p.Ser698Phe)

Gene: ATP7A (ATPase copper transporting alpha; plus strand). Cytogenetic location: Xq21.1.
Variant type: single nucleotide variant.
Coding change: c.2093C>T on transcript NM_000052.7 (MANE Select); coding-DNA position 2093, C replaced by T.
Protein change: p.Ser698Phe; replaces serine 698 with phenylalanine.
Molecular consequence: missense variant.
Genome position (GRCh38, 1-based): chrX:78,011,595, C>T. VCF-style: chrX-78011595-C-T. GRCh37 (hg19) VCF-style: chrX-77267092-C-T.
Other names: c.2093C>T, p.Ser698Phe (NM_001282224.2); short protein forms S698F.
Identifiers: ClinVar variation 943884 (VCV000943884.10), dbSNP rs2077826335, ClinGen allele CA413598408.